The following is an entry in ClinVar:

NC_000022.11:g.40346189T>G

Gene: ADSL (adenylosuccinate lyase; plus strand). Cytogenetic location: 22q13.1.
Variant type: single nucleotide variant.
Genome position: GRCh38 VCF-style: chr22-40346189-T-G. GRCh37 (hg19) VCF-style: chr22-40742193-T-G.
Identifiers: ClinVar variation 1388905 (VCV001388905.6), dbSNP rs2146610277, ClinGen allele CA2573158347.

ClinVar aggregate classification (germline): Uncertain significance (1 of 4 stars; one submission).

Conditions:
Adenylosuccinate lyase deficiency (ADSLD). Also called: ADSL DEFICIENCY. Identifiers: Orphanet 46, MedGen C0268126, MONDO:0007068, OMIM 103050.

Submission:

Labcorp Genetics (formerly Invitae), Labcorp
Classification: Uncertain significance for Adenylosuccinate lyase deficiency. Last evaluated: 2021-08-28. Review status: criteria provided, single submitter. Criteria: Invitae Variant Classification Sherloc (09022015). Collection method: clinical testing. Allele origin: germline.
Comment: This variant has not been reported in the literature in individuals affected with ADSL-related conditions. In summary, the available evidence is currently insufficient to determine the role of this variant in disease. Therefore, it has been classified as a Variant of Uncertain Significance. Experimental studies and prediction algorithms are not available or were not evaluated, and the functional significance of this variant is currently unknown. The frequency data for this variant in the population databases is considered unreliable, as metrics indicate insufficient coverage at this position in the ExAC database. This variant occurs in a non-coding region of the ADSL gene. It does not change the encoded amino acid sequence of the ADSL protein.